The following is an entry in ClinVar:

NM_003764.4(STX11):c.379A>G (p.Ile127Val)

Gene: STX11 (syntaxin 11; plus strand). Cytogenetic location: 6q24.2.
Variant type: single nucleotide variant.
Coding change: c.379A>G on transcript NM_003764.4 (MANE Select); coding-DNA position 379, A replaced by G.
Protein change: p.Ile127Val; replaces isoleucine 127 with valine.
Molecular consequence: missense variant.
Genome position (GRCh38, 1-based): chr6:144,187,006, A>G. VCF-style: chr6-144187006-A-G. GRCh37 (hg19) VCF-style: chr6-144508143-A-G.
Other names: short protein forms I127V.
Identifiers: ClinVar variation 968384 (VCV000968384.6), dbSNP rs765377730, ClinGen allele CA4031692.

ClinVar aggregate classification (germline): Uncertain significance (1 of 4 stars; one submission).

Conditions:
Familial hemophagocytic lymphohistiocytosis 4 (FHL4). Also called: STX11-Related Familial Hemophagocytic Lymphohistiocytosis (STX11-fHLH). Identifiers: Orphanet 540, MedGen C1863728, MONDO:0011336, OMIM 603552.

Allele frequency attached by ClinVar (database versions not stated): gnomAD 0.00001; gnomAD exomes 0.00002; TOPMed 0.00002; ExAC 0.00003.
gnomAD v4.1: 10 of 1,610,874 alleles (0.00062%); highest among the groups gnomAD compares: Admixed American, 0.005%; no homozygotes.

Submission:

Labcorp Genetics (formerly Invitae), Labcorp
Classification: Uncertain significance for Familial hemophagocytic lymphohistiocytosis 4. Last evaluated: 2022-06-04. Review status: criteria provided, single submitter. Criteria: Invitae Variant Classification Sherloc (09022015). Collection method: clinical testing. Allele origin: germline.
Comment: This sequence change replaces isoleucine, which is neutral and non-polar, with valine, which is neutral and non-polar, at codon 127 of the STX11 protein (p.Ile127Val). This variant is present in population databases (rs765377730, gnomAD 0.007%). This variant has not been reported in the literature in individuals affected with STX11-related conditions. ClinVar contains an entry for this variant (Variation ID: 968384). Algorithms developed to predict the effect of missense changes on protein structure and function (SIFT, PolyPhen-2, Align-GVGD) all suggest that this variant is likely to be tolerated. In summary, the available evidence is currently insufficient to determine the role of this variant in disease. Therefore, it has been classified as a Variant of Uncertain Significance.